The following is an entry in ClinVar:

NM_006031.6(PCNT):c.776C>T (p.Thr259Met)

Gene: PCNT (pericentrin; plus strand). Cytogenetic location: 21q22.3.
Variant type: single nucleotide variant.
Coding change: c.776C>T on transcript NM_006031.6 (MANE Select); coding-DNA position 776, C replaced by T.
Protein change: p.Thr259Met; replaces threonine 259 with methionine.
Molecular consequence: missense variant.
Genome position (GRCh38, 1-based): chr21:46,346,798, C>T. VCF-style: chr21-46346798-C-T. GRCh37 (hg19) VCF-style: chr21-47766712-C-T.
Other names: c.422C>T, p.Thr141Met (NM_001315529.2); c.776C>T (NM_006031.5); short protein forms T141M, T259M.
Identifiers: ClinVar variation 1423172 (VCV001423172.7), dbSNP rs141575204, ClinGen allele CA10078411.

ClinVar aggregate classification (germline): Uncertain significance. Review status: criteria provided, multiple submitters, no conflicts (2 of 4 stars). 4 submissions from 4 submitters: Uncertain significance (3). 1 of the submissions does not count toward it. Last evaluated 2023-01-30.

Conditions:
Inborn genetic diseases. Identifiers: MedGen C0950123, MeSH D030342.
PCNT-related disorder. Also called: PCNT-related condition.

Allele frequency attached by ClinVar (database versions not stated): gnomAD exomes 0.00005 and 0.00007; ExAC 0.00008; gnomAD 0.00013 and 0.00014; 1000 Genomes Project 30x 0.00016; TOPMed 0.00019; 1000 Genomes Project 0.00020; ESP Exome Variant Server 0.00031.
gnomAD v4.1: 85 of 1,600,172 alleles (0.0053%); highest among the groups gnomAD compares: African/African-American, 0.047%; no homozygotes.

Submissions (4):

GeneDx
Classification: Uncertain significance. Last evaluated: 2023-01-30. Review status: criteria provided, single submitter. Criteria: GeneDx Variant Classification Process June 2021. Collection method: clinical testing. Allele origin: germline. Affected: yes.
Comment: In silico analysis supports that this missense variant has a deleterious effect on protein structure/function; Missense variant in a gene in which most reported pathogenic variants are truncating/loss of function; Has not been previously published as pathogenic or benign to our knowledge

Ambry Genetics
Classification: Uncertain significance for Inborn genetic diseases. Last evaluated: 2022-07-13. Review status: criteria provided, single submitter. Criteria: Ambry Variant Classification Scheme 2023. Collection method: clinical testing. Allele origin: germline.

Labcorp Genetics (formerly Invitae), Labcorp
Classification: Uncertain significance. Last evaluated: 2022-07-06. Review status: criteria provided, single submitter. Criteria: Invitae Variant Classification Sherloc (09022015). Collection method: clinical testing. Allele origin: germline.
Comment: This sequence change replaces threonine, which is neutral and polar, with methionine, which is neutral and non-polar, at codon 259 of the PCNT protein (p.Thr259Met). This variant is present in population databases (rs141575204, gnomAD 0.04%). This variant has not been reported in the literature in individuals affected with PCNT-related conditions. ClinVar contains an entry for this variant (Variation ID: 1423172). Algorithms developed to predict the effect of missense changes on protein structure and function (SIFT, PolyPhen-2, Align-GVGD) all suggest that this variant is likely to be disruptive. In summary, the available evidence is currently insufficient to determine the role of this variant in disease. Therefore, it has been classified as a Variant of Uncertain Significance.

PreventionGenetics, part of Exact Sciences
Classification: Uncertain significance for PCNT-related condition. Last evaluated: 2024-08-27. Review status: no assertion criteria provided. Collection method: clinical testing. Allele origin: germline. Not counted in ClinVar's aggregate classification.
Comment: The PCNT c.776C>T variant is predicted to result in the amino acid substitution p.Thr259Met. To our knowledge, this variant has not been reported in the literature. This variant is reported in 0.040% of alleles in individuals of African descent in gnomAD. At this time, the clinical significance of this variant is uncertain due to the absence of conclusive functional and genetic evidence.